The following is an entry in ClinVar:

NC_000002.11:g.(?_112779835)_(112780119_?)del

Gene: MERTK (MER proto-oncogene, tyrosine kinase; plus strand). Cytogenetic location: 2q13.
Variant type: Deletion.
Identifiers: ClinVar variation 2425567 (VCV002425567.3).

ClinVar aggregate classification (germline): Pathogenic (1 of 4 stars; one submission).

Submission:

Labcorp Genetics (formerly Invitae), Labcorp
Classification: Pathogenic. Last evaluated: 2020-06-11. Review status: criteria provided, single submitter. Criteria: Invitae Variant Classification Sherloc (09022015). Collection method: clinical testing. Allele origin: germline.
Comment: This variant is a sub-genic deletion of the genomic region encompassing exon 18 of the MERTK gene. While this deletion is not anticipated to result in nonsense mediated decay, it is expected to create a truncated protein product. This variant has not been reported in the literature in individuals with MERTK-related conditions. This variant disrupts the C-terminus of the MERTK protein. Other variant(s) that disrupt this region (p.Trp837Glyfs*6, p.Arg844Cys) have been determined to be pathogenic (PMID: 31106028, 15111602, 28462455). This suggests that variants that disrupt this region of the protein are likely to be causative of disease. For these reasons, this variant has been classified as Pathogenic.

Literature cited by the submitters: PubMed 31106028; PubMed 15111602; PubMed 28462455.